The following is an entry in ClinVar:

ClinVar aggregate classification (germline): Uncertain significance (1 of 4 stars; one submission).

Submission:

Labcorp Genetics (formerly Invitae), Labcorp
Classification: Uncertain significance. Last evaluated: 2025-02-10. Review status: criteria provided, single submitter. Criteria: Invitae Variant Classification Sherloc (09022015). Collection method: clinical testing. Allele origin: germline.
Comment: This sequence change replaces leucine, which is neutral and non-polar, with proline, which is neutral and non-polar, at codon 276 of the TEAD1 protein (p.Leu276Pro). This variant is not present in population databases (gnomAD no frequency). This variant has not been reported in the literature in individuals affected with TEAD1-related conditions. Invitae Evidence Modeling of protein sequence and biophysical properties (such as structural, functional, and spatial information, amino acid conservation, physicochemical variation, residue mobility, and thermodynamic stability) indicates that this missense variant is expected to disrupt TEAD1 protein function with a positive predictive value of 80%. In summary, the available evidence is currently insufficient to determine the role of this variant in disease. Therefore, it has been classified as a Variant of Uncertain Significance.

NM_021961.6(TEAD1):c.827T>C (p.Leu276Pro)

Gene: TEAD1 (TEA domain transcription factor 1; plus strand). Cytogenetic location: 11p15.3.
Variant type: single nucleotide variant.
Coding change: c.827T>C on transcript NM_021961.6 (MANE Select); coding-DNA position 827, T replaced by C.
Protein change: p.Leu276Pro; replaces leucine 276 with proline.
Molecular consequence: missense variant.
Genome position (GRCh38, 1-based): chr11:12,902,067, T>C. VCF-style: chr11-12902067-T-C. GRCh37 (hg19) VCF-style: chr11-12923614-T-C.
Other names: short protein forms L276P.
Identifiers: ClinVar variation 4803376 (VCV004803376.1).